The following is an entry in ClinVar:

NM_000312.4(PROC):c.1195G>A (p.Glu399Lys)

Gene: PROC (protein C, inactivator of coagulation factors Va and VIIIa; plus strand). Cytogenetic location: 2q14.3.
Variant type: single nucleotide variant.
Coding change: c.1195G>A on transcript NM_000312.4 (MANE Select); coding-DNA position 1195, G replaced by A.
Protein change: p.Glu399Lys; replaces glutamic acid 399 with lysine.
Molecular consequence: missense variant.
Genome position (GRCh38, 1-based): chr2:127,428,755, G>A. VCF-style: chr2-127428755-G-A. GRCh37 (hg19) VCF-style: chr2-128186331-G-A.
Other names: c.1378G>A, p.Glu460Lys (NM_001375602.1); c.1360G>A, p.Glu454Lys (NM_001375603.1); c.1258G>A, p.Glu420Lys (NM_001375604.1); c.1297G>A, p.Glu433Lys (NM_001375605.1); c.1363G>A, p.Glu455Lys (NM_001375606.1); c.1381G>A, p.Glu461Lys (NM_001375607.1); c.1138G>A, p.Glu380Lys (NM_001375608.1); c.1171G>A, p.Glu391Lys (NM_001375609.1); and 2 more; short protein forms E433K, E380K, E391K, E399K, E454K, E397K, E461K, E420K.
Identifiers: ClinVar variation 1409195 (VCV001409195.8), dbSNP rs764239787, ClinGen allele CA1859543.

ClinVar aggregate classification (germline): Uncertain significance (1 of 4 stars; one submission).

Conditions:
Thrombophilia due to protein C deficiency, autosomal dominant. Also called: PROC DEFICIENCY, AUTOSOMAL DOMINANT; PROTEIN C DEFICIENCY, AUTOSOMAL DOMINANT. Identifiers: Orphanet 745, MedGen C2674321, MONDO:0008316, OMIM 176860. Disease mechanism: loss of function.

Allele frequency attached by ClinVar (database versions not stated): gnomAD exomes below 0.00001 and 0.00001; ExAC 0.00001; gnomAD 0.00001; TOPMed 0.00003.

Submission:

Labcorp Genetics (formerly Invitae), Labcorp
Classification: Uncertain significance for Thrombophilia due to protein C deficiency, autosomal dominant. Last evaluated: 2024-10-08. Review status: criteria provided, single submitter. Criteria: Invitae Variant Classification Sherloc (09022015). Collection method: clinical testing. Allele origin: germline.
Comment: This sequence change replaces glutamic acid, which is acidic and polar, with lysine, which is basic and polar, at codon 399 of the PROC protein (p.Glu399Lys). This variant is present in population databases (rs764239787, gnomAD 0.008%). This missense change has been observed in individual(s) with clinical features of PROC-related conditions (internal data). ClinVar contains an entry for this variant (Variation ID: 1409195). Invitae Evidence Modeling of protein sequence and biophysical properties (such as structural, functional, and spatial information, amino acid conservation, physicochemical variation, residue mobility, and thermodynamic stability) indicates that this missense variant is not expected to disrupt PROC protein function with a negative predictive value of 80%. In summary, the available evidence is currently insufficient to determine the role of this variant in disease. Therefore, it has been classified as a Variant of Uncertain Significance.